The following is an entry in ClinVar:

ClinVar aggregate classification (germline): Uncertain significance. Review status: criteria provided, multiple submitters, no conflicts (2 of 4 stars). 3 submissions from 3 submitters: Uncertain significance (3). Last evaluated 2024-05-21.

Conditions:
Joubert syndrome. Also called: JOUBERT-BOLTSHAUSER SYNDROME; Familial aplasia of the vermis. Identifiers: Orphanet 475, MedGen C5979921, MONDO:0018772.
Joubert syndrome 3 (JBTS3). Also called: AHI1-related Ciliopathy. Identifiers: Orphanet 220493, MedGen C1837713, MONDO:0012078, OMIM 608629.

gnomAD v4.1: 3 of 1,587,622 alleles (0.00019%); highest among the groups gnomAD compares: Admixed American, 0.0017%; no homozygotes.

Submissions (3):

Fulgent Genetics
Classification: Uncertain significance for Joubert syndrome 3. Last evaluated: 2024-05-21. Review status: criteria provided, single submitter. Criteria: ACMG Guidelines, 2015. Collection method: clinical testing. Allele origin: germline.

Labcorp Genetics (formerly Invitae), Labcorp
Classification: Uncertain significance for Joubert syndrome. Last evaluated: 2022-05-05. Review status: criteria provided, single submitter. Criteria: Invitae Variant Classification Sherloc (09022015). Collection method: clinical testing. Allele origin: germline.
Comment: This sequence change replaces methionine, which is neutral and non-polar, with valine, which is neutral and non-polar, at codon 404 of the AHI1 protein (p.Met404Val). The frequency data for this variant in the population databases is considered unreliable, as metrics indicate poor data quality at this position in the gnomAD database. This variant has not been reported in the literature in individuals affected with AHI1-related conditions. Advanced modeling of protein sequence and biophysical properties (such as structural, functional, and spatial information, amino acid conservation, physicochemical variation, residue mobility, and thermodynamic stability) performed at Invitae indicates that this missense variant is not expected to disrupt AHI1 protein function. In summary, the available evidence is currently insufficient to determine the role of this variant in disease. Therefore, it has been classified as a Variant of Uncertain Significance.

Blueprint Genetics
Classification: Uncertain significance. Last evaluated: 2022-03-25. Review status: criteria provided, single submitter. Criteria: ACMG Guidelines, 2015. Collection method: clinical testing. Allele origin: germline.

NM_001134831.2(AHI1):c.1210A>G (p.Met404Val)

Gene: AHI1 (Abelson helper integration site 1; minus strand). Cytogenetic location: 6q23.3.
Variant type: single nucleotide variant.
Coding change: c.1210A>G on transcript NM_001134831.2 (MANE Select); coding-DNA position 1210, A replaced by G.
Protein change: p.Met404Val; replaces methionine 404 with valine.
Molecular consequence: missense variant.
Genome position (GRCh38, 1-based): chr6:135,455,868, T>C on the plus strand (A>G on the coding strand, the complement: AHI1 is on the minus strand). VCF-style: chr6-135455868-T-C. GRCh37 (hg19) VCF-style: chr6-135777006-T-C.
Other names: c.1210A>G, p.Met404Val (NM_001134830.2, NM_001134832.2, NM_001350503.2 and 2 more transcripts); c.1210A>G (NM_017651.4); short protein forms M404V.
Identifiers: ClinVar variation 1987719 (VCV001987719.3), dbSNP rs1268706810, ClinGen allele CA365746654.